The following is an entry in ClinVar:

NM_001165963.4(SCN1A):c.4709C>T (p.Thr1570Ile)

Genes: SCN1A (sodium voltage-gated channel alpha subunit 1; minus strand), LOC102724058 (uncharacterized LOC102724058; plus strand). Cytogenetic location: 2q24.3.
Variant type: single nucleotide variant.
Coding change: c.4709C>T on transcript NM_001165963.4 (MANE Select); coding-DNA position 4709, C replaced by T.
Protein change: p.Thr1570Ile; replaces threonine 1570 with isoleucine.
Molecular consequence: missense variant. On other transcripts: non-coding transcript variant (1).
Genome position (GRCh38, 1-based): chr2:165,994,289, G>A on the plus strand (C>T on the coding strand, the complement: SCN1A is on the minus strand). VCF-style: chr2-165994289-G-A. GRCh37 (hg19) VCF-style: chr2-166850799-G-A.
Other names: c.4625C>T, p.Thr1542Ile (NM_001165964.3, NM_001353957.2, NM_001353958.2); c.4709C>T, p.Thr1570Ile (NM_001202435.3, NM_001353948.2); c.4676C>T, p.Thr1559Ile (NM_001353949.2, NM_001353950.2, NM_001353951.2 and 2 more transcripts); c.4673C>T, p.Thr1558Ile (NM_001353954.2, NM_001353955.2); c.4622C>T, p.Thr1541Ile (NM_001353960.2); c.2267C>T, p.Thr756Ile (NM_001353961.2); short protein forms T1541I, T1542I, T1558I, T1559I, T1570I, T756I.
Identifiers: ClinVar variation 4807683 (VCV004807683.1).

ClinVar aggregate classification (germline): Uncertain significance (1 of 4 stars; one submission).

Conditions:
Early-infantile DEE. Also called: Early infantile epileptic encephalopathy; Early infantile epileptic encephalopathy with suppression bursts; Ohtahara syndrome. Identifiers: Orphanet 1934, MedGen C0393706, MONDO:0800491.

gnomAD v4.1: 1 of 1,613,186 alleles (0.000062%); highest among the groups gnomAD compares: Admixed American, 0.0017%; no homozygotes.

Submission:

Labcorp Genetics (formerly Invitae), Labcorp
Classification: Uncertain significance for Early-infantile DEE. Last evaluated: 2025-11-08. Review status: criteria provided, single submitter. Criteria: Invitae Variant Classification Sherloc (09022015). Collection method: clinical testing. Allele origin: germline.
Comment: This sequence change replaces threonine, which is neutral and polar, with isoleucine, which is neutral and non-polar, at codon 1570 of the SCN1A protein (p.Thr1570Ile). This variant is present in population databases (rs769629446, gnomAD 0.003%). This variant has not been reported in the literature in individuals affected with SCN1A-related conditions. Invitae Evidence Modeling of protein sequence and biophysical properties (such as structural, functional, and spatial information, amino acid conservation, physicochemical variation, residue mobility, and thermodynamic stability) indicates that this missense variant is not expected to disrupt SCN1A protein function with a negative predictive value of 95%. In summary, the available evidence is currently insufficient to determine the role of this variant in disease. Therefore, it has been classified as a Variant of Uncertain Significance.